The following is an entry in ClinVar:

NM_001367624.2(ZNF469):c.8974A>T (p.Met2992Leu)

Gene: ZNF469 (zinc finger protein 469; plus strand). Cytogenetic location: 16q24.2.
Variant type: single nucleotide variant.
Coding change: c.8974A>T on transcript NM_001367624.2 (MANE Select); coding-DNA position 8974, A replaced by T.
Protein change: p.Met2992Leu; replaces methionine 2992 with leucine.
Molecular consequence: missense variant.
Genome position (GRCh38, 1-based): chr16:88,436,444, A>T. VCF-style: chr16-88436444-A-T. GRCh37 (hg19) VCF-style: chr16-88502852-A-T.
Other names: NM_001127464.1:c.8890A>T; short protein forms M2992L.
Identifiers: ClinVar variation 5032265 (VCV005032265.1).

ClinVar aggregate classification (germline): Uncertain significance (1 of 4 stars; one submission).

Conditions:
Cardiovascular phenotype. Identifiers: MedGen CN230736.

gnomAD v4.1: 2 of 1,548,170 alleles (0.00013%); highest among the groups gnomAD compares: Non-Finnish European, 0.00017%; no homozygotes.

Submission:

Ambry Genetics
Classification: Uncertain significance for Cardiovascular phenotype. Last evaluated: 2026-08-24. Review status: criteria provided, single submitter. Criteria: Ambry Variant Classification Scheme 2023. Collection method: clinical testing. Allele origin: germline.
Comment: The p.M2964L variant (also known as c.8890A>T), located in coding exon 2 of the ZNF469 gene, results from an A to T substitution at nucleotide position 8890. The methionine at codon 2964 is replaced by leucine, an amino acid with highly similar properties. This amino acid position is conserved. In addition, this alteration is predicted to be tolerated by in silico analysis. Based on the available evidence, the clinical significance of this variant remains unclear.